The following is an entry in ClinVar:

ClinVar aggregate classification (germline): Conflicting classifications of pathogenicity. Review status: criteria provided, conflicting classifications (1 of 4 stars). 12 submissions from 10 submitters: Uncertain significance (8); Likely benign (2). 2 of the submissions do not count toward it. Last evaluated 2024-09-30.

Conditions:
Acute febrile neutrophilic dermatosis (AFND). Also called: Sweet Syndrome; Gomm Button disease. Identifiers: Orphanet 3243, MedGen C0085077, MONDO:0011959, OMIM 608068.
Familial Mediterranean fever (FMF). Also called: POLYSEROSITIS, FAMILIAL PAROXYSMAL; POLYSEROSITIS, RECURRENT; Periodic peritonitis; Benign paroxysmal peritonitis. Identifiers: Orphanet 342, MedGen C0031069, MONDO:0018088, OMIM 249100. Disease mechanism: gain of function.
Familial Mediterranean fever, autosomal dominant. Also called: FMF, AUTOSOMAL DOMINANT; Dominant Familial Mediterranean Fever. Identifiers: Orphanet 342, MedGen C1851347, MONDO:0007601, OMIM 134610.

Allele frequency attached by ClinVar (database versions not stated): TOPMed 0.00002; ESP Exome Variant Server 0.00015.
gnomAD v4.1: 124 of 1,614,078 alleles (0.0077%); highest among the groups gnomAD compares: Non-Finnish European, 0.0061%; 1 homozygote.

Submissions (12):

Blueprint Genetics
Classification: Uncertain significance. Last evaluated: 2024-09-30. Review status: criteria provided, single submitter. Criteria: ACMG Guidelines, 2015. Collection method: clinical testing. Allele origin: germline.

ARUP Laboratories, Molecular Genetics and Genomics, ARUP Laboratories
Classification: Uncertain significance. Last evaluated: 2024-02-23. Review status: criteria provided, single submitter. Criteria: ARUP Molecular Germline Variant Investigation Process 2024. Collection method: clinical testing. Allele origin: germline.
Comment: The MEFV c.2246C>G; p.Ser749Cys variant (rs104895171) is reported in the medical literature in individuals with ankylosing spondylitis and in control individuals (He 2014) and is provisionally classified as a variant of uncertain significance by an expert panel (Van Gijn 2018). The variant is listed in the ClinVar database (Variation ID: 97505). It is found in the European (Finnish) population with an overall allele frequency of 0.08% (19/25124 alleles, including 1 homozygote) in the Genome Aggregation Database (v2.1.1). Computational analyses are uncertain whether this variant is neutral or deleterious (REVEL: 0.337). Considering available information, the clinical significance of this variant cannot be determined with certainty. References: He C et al. Mutations in the B30.2 domain of pyrin and the risk of ankylosing spondylitis in the Chinese Han population: a case-control study. Immunol Lett. 2014 Nov;162(1 Pt A):49-52 Van Gijn ME et al. New workflow for classification of genetic variants' pathogenicity applied to hereditary recurrent fevers by the International Study Group for Systemic Autoinflammatory Diseases (INSAID). J Med Genet. 2018 Aug;55(8):530-537

Genome-Nilou Lab
Classification: Uncertain significance for Familial Mediterranean fever. Last evaluated: 2023-02-08. Review status: criteria provided, single submitter. Criteria: ACMG Guidelines, 2015. Collection method: clinical testing. Allele origin: germline.

Genome-Nilou Lab
Classification: Likely benign for Familial Mediterranean fever, autosomal dominant. Last evaluated: 2023-02-08. Review status: criteria provided, single submitter. Criteria: ACMG Guidelines, 2015. Collection method: clinical testing. Allele origin: germline.

Genome-Nilou Lab
Classification: Likely benign for Acute febrile neutrophilic dermatosis. Last evaluated: 2023-02-08. Review status: criteria provided, single submitter. Criteria: ACMG Guidelines, 2015. Collection method: clinical testing. Allele origin: germline.

Labcorp Genetics (formerly Invitae), Labcorp
Classification: Uncertain significance for Familial Mediterranean fever. Last evaluated: 2022-05-03. Review status: criteria provided, single submitter. Criteria: Invitae Variant Classification Sherloc (09022015). Collection method: clinical testing. Allele origin: germline.
Comment: This sequence change replaces serine, which is neutral and polar, with cysteine, which is neutral and slightly polar, at codon 749 of the MEFV protein (p.Ser749Cys). This variant is present in population databases (rs104895171, gnomAD 0.08%). This variant has not been reported in the literature in individuals affected with MEFV-related conditions. ClinVar contains an entry for this variant (Variation ID: 97505). Algorithms developed to predict the effect of missense changes on protein structure and function are either unavailable or do not agree on the potential impact of this missense change (SIFT: "Deleterious"; PolyPhen-2: "Benign"; Align-GVGD: "Class C0"). In summary, the available evidence is currently insufficient to determine the role of this variant in disease. Therefore, it has been classified as a Variant of Uncertain Significance.

Fulgent Genetics
Classification: Uncertain significance for Familial Mediterranean fever, autosomal dominant; Familial Mediterranean fever; Acute febrile neutrophilic dermatosis. Last evaluated: 2022-04-15. Review status: criteria provided, single submitter. Criteria: ACMG Guidelines, 2015. Collection method: clinical testing. Allele origin: unknown.

Women's Health and Genetics/Laboratory Corporation of America, LabCorp
Classification: Uncertain significance. Last evaluated: 2022-04-07. Review status: criteria provided, single submitter. Criteria: LabCorp Variant Classification Summary - May 2015. Collection method: clinical testing. Allele origin: germline.
Comment: Variant summary: MEFV c.2246C>G (p.Ser749Cys) results in a non-conservative amino acid change located in the B30.2/SPRY domain (IPR001870) of the encoded protein sequence. Three of five in-silico tools predict a damaging effect of the variant on protein function. The variant allele was found at a frequency of 9.9e-05 in 251464 control chromosomes in the gnomAD database, including 1 homozygote. This frequency is not significantly higher than estimated for a pathogenic variant in MEFV causing Familial Mediterranean Fever (9.9e-05 vs 0.022), allowing no conclusion about variant significance. To our knowledge, no penetrant association of c.2246C>G in individuals affected with Familial Mediterranean Fever and no experimental evidence demonstrating its impact on protein function have been reported. Four clinical diagnostic laboratories have submitted clinical-significance assessments for this variant to ClinVar after 2014 without evidence for independent evaluation. All laboratories classified the variant as uncertain significance. Based on the evidence outlined above, the variant was classified as uncertain significance.

Mendelics
Classification: Uncertain significance for Familial Mediterranean fever. Last evaluated: 2019-05-28. Review status: criteria provided, single submitter. Criteria: Mendelics Assertion Criteria 2017. Collection method: clinical testing. Allele origin: unknown.

GeneDx
Classification: Uncertain significance. Last evaluated: 2017-07-31. Review status: criteria provided, single submitter. Criteria: GeneDx Variant Classification (06012015). Collection method: clinical testing. Allele origin: germline. Affected: yes.
Comment: The S749C variant has been published previously, but the authors concluded its association with disease was not significant in their cohort (He et al., 2014). The variant is observed in 5/6614 (0.076%) alleles from individuals of European background in the ExAC dataset (Lek et al., 2016). S749C is a non-conservative amino acid substitution, which is likely to impact secondary protein structure as these residues differ in polarity, charge, size and/or other properties. However, this substitution occurs at a position that is not conserved, and in silico analysis is inconsistent in its predictions as to whether or not the variant is damaging to the protein structure/function. In summary, based on the currently available information, it is unclear whether this variant is a pathogenic variant or a rare benign variant.

Natera, Inc.
Classification: Uncertain significance for Familial Mediterranean fever. Last evaluated: 2021-07-16. Review status: no assertion criteria provided. Collection method: clinical testing. Allele origin: germline. Not counted in ClinVar's aggregate classification.

Unité médicale des maladies autoinflammatoires, CHRU Montpellier
No classification provided. Condition: Familial Mediterranean fever. Review status: no classification provided. Collection method: not provided. Allele origin: unknown. Not counted in ClinVar's aggregate classification.

NM_000243.3(MEFV):c.2246C>G (p.Ser749Cys)

Gene: MEFV (MEFV innate immunity regulator, pyrin; minus strand). Cytogenetic location: 16p13.3.
Variant type: single nucleotide variant.
Coding change: c.2246C>G on transcript NM_000243.3 (MANE Select); coding-DNA position 2246, C replaced by G.
Protein change: p.Ser749Cys; replaces serine 749 with cysteine.
Molecular consequence: missense variant. On other transcripts: 3 prime UTR variant (1).
Genome position (GRCh38, 1-based): chr16:3,243,241, G>C on the plus strand (C>G on the coding strand, the complement: MEFV is on the minus strand). VCF-style: chr16-3243241-G-C. GRCh37 (hg19) VCF-style: chr16-3293241-G-C.
Other names: c.*450C>G (NM_001198536.2); short protein forms S749C.
Identifiers: ClinVar variation 97505 (VCV000097505.23), dbSNP rs104895171, ClinGen allele CA280555.
Genomic context (GRCh38, chr16:3,243,241, plus strand): 5'-GGAGCTGTGTTCTTCCCTCCATCACGTGTCCCAGGGCTGAAGATAGGTTGAAGGGGCCCA[G>C]AGAAAGAGCAGCTGGCGAATGTATAGATGTGGGATCTGGCTGTCACATTGTAAAAGGAGA-3'
Protein context (NP_000234.1, residues 739-759): HIYTFASCSF[Ser749Cys]GPLQPIFSPG